The following is an entry in ClinVar:

ClinVar aggregate classification (germline): Likely benign. Review status: criteria provided, multiple submitters, no conflicts (2 of 4 stars). 2 submissions from 2 submitters: Likely benign (2). Last evaluated 2025-03-10.

Conditions:
Pheochromocytoma/paraganglioma syndrome 5. Also called: Paragangliomas 5; SDHA-Related Hereditary Paraganglioma-Pheochromocytoma Syndrome. Identifiers: Orphanet 29072, MedGen C3279992, MONDO:0013602, OMIM 614165.
Mitochondrial complex II deficiency, nuclear type 1. Also called: SUCCINATE CoQ REDUCTASE DEFICIENCY. Identifiers: Orphanet 3208, MedGen C5700310, MONDO:0100294, OMIM 252011.

Submissions (2):

Myriad Genetics, Inc.
Classification: Likely benign for Pheochromocytoma/paraganglioma syndrome 5. Last evaluated: 2025-03-10. Review status: criteria provided, single submitter. Criteria: Myriad Autosomal Dominant, Autosomal Recessive and X-Linked Classification Criteria (2023). Collection method: clinical testing. Allele origin: unknown.
Comment: This variant is considered likely benign. This variant is intronic and is not expected to impact mRNA splicing.

Labcorp Genetics (formerly Invitae), Labcorp
Classification: Likely benign for Pheochromocytoma/paraganglioma syndrome 5; Mitochondrial complex II deficiency, nuclear type 1. Last evaluated: 2025-02-10. Review status: criteria provided, single submitter. Criteria: Invitae Variant Classification Sherloc (09022015). Collection method: clinical testing. Allele origin: germline.

NM_004168.4(SDHA):c.1432+9T>G

Gene: SDHA (succinate dehydrogenase complex flavoprotein subunit A; plus strand). Cytogenetic location: 5p15.33.
Variant type: single nucleotide variant.
Coding change: c.1432+9T>G on transcript NM_004168.4 (MANE Select); 9 bases into the intron after coding-DNA position 1432, T replaced by G.
Molecular consequence: intron variant.
Genome position (GRCh38, 1-based): chr5:236,608, T>G. VCF-style: chr5-236608-T-G. GRCh37 (hg19) VCF-style: chr5-236723-T-G.
Other names: c.1432+9T>G (NM_001330758.2); c.1288+9T>G (NM_001294332.2).
Identifiers: ClinVar variation 1533898 (VCV001533898.9), dbSNP rs1735803426, ClinGen allele CA2573139530.